The following is an entry in ClinVar:

NM_007294.4(BRCA1):c.720A>T (p.Gln240His)

Gene: BRCA1 (BRCA1 DNA repair associated; minus strand). Cytogenetic location: 17q21.31.
Variant type: single nucleotide variant.
Coding change: c.720A>T on transcript NM_007294.4 (MANE Select); coding-DNA position 720, A replaced by T.
Protein change: p.Gln240His; replaces glutamine 240 with histidine.
Molecular consequence: missense variant. On other transcripts: intron variant (13), 5 prime UTR variant (2).
Genome position (GRCh38, 1-based): chr17:43,094,811, T>A on the plus strand (A>T on the coding strand, the complement: BRCA1 is on the minus strand). VCF-style: chr17-43094811-T-A. GRCh37 (hg19) VCF-style: chr17-41246828-T-A.
Other names: c.717A>T, p.Gln239His (NM_001407630.1, NM_001407631.1, NM_001407632.1 and 38 more transcripts); c.720A>T, p.Gln240His (NM_001407981.1, NM_001407983.1, NM_001407982.1 and 54 more transcripts); c.711A>T, p.Gln237His (NM_001408408.1, NM_001407646.1, NM_001407647.1); c.642A>T, p.Gln214His (NM_001408409.1, NM_001408411.1, NM_001408412.1 and 9 more transcripts); c.579A>T, p.Gln193His (NM_001408410.1, NM_001408452.1, NM_001408453.1 and 43 more transcripts); c.639A>T, p.Gln213His (NM_001408413.1, NM_001408416.1, NM_001407659.1 and 3 more transcripts); c.597A>T, p.Gln199His (NM_001408425.1, NM_001408426.1, NM_001408427.1 and 34 more transcripts); c.594A>T, p.Gln198His (NM_001408432.1, NM_001408433.1, NM_001408434.1 and 20 more transcripts); and 20 more; short protein forms Q129H, Q173H, Q237H, Q172H, Q199H, Q72H, Q112H, Q128H.
Identifiers: ClinVar variation 2745946 (VCV002745946.3), dbSNP rs2552230457, ClinGen allele CA10600644.

ClinVar aggregate classification (germline): Uncertain significance (1 of 4 stars; one submission).

Conditions:
Hereditary breast ovarian cancer syndrome. Also called: BRCA1- and BRCA2-Associated Hereditary Breast and Ovarian Cancer; Breast and ovarian cancer; Hereditary breast and/or ovarian cancer syndrome; Hereditary breast and ovarian cancer; Hereditary breast and ovarian cancer syndrome (HBOC); Hereditary breast and ovarian cancer syndrome. Identifiers: Orphanet 145, MedGen C0677776, MeSH D061325, MONDO:0003582. Disease mechanism: loss of function.

Allele frequency attached by ClinVar (database versions not stated): gnomAD exomes below 0.00001.
gnomAD v4.1: 1 of 1,613,806 alleles (0.000062%); highest among the groups gnomAD compares: Non-Finnish European, 0.000085%; no homozygotes.

Submission:

Labcorp Genetics (formerly Invitae), Labcorp
Classification: Uncertain significance for Hereditary breast ovarian cancer syndrome. Last evaluated: 2023-07-22. Review status: criteria provided, single submitter. Criteria: Invitae Variant Classification Sherloc (09022015). Collection method: clinical testing. Allele origin: germline.
Comment: In summary, the available evidence is currently insufficient to determine the role of this variant in disease. Therefore, it has been classified as a Variant of Uncertain Significance. Advanced modeling of protein sequence and biophysical properties (such as structural, functional, and spatial information, amino acid conservation, physicochemical variation, residue mobility, and thermodynamic stability) performed at Invitae indicates that this missense variant is not expected to disrupt BRCA1 protein function. This variant has not been reported in the literature in individuals affected with BRCA1-related conditions. This variant is not present in population databases (gnomAD no frequency). This sequence change replaces glutamine, which is neutral and polar, with histidine, which is basic and polar, at codon 240 of the BRCA1 protein (p.Gln240His).